The following is an entry in ClinVar:

NM_004287.5(GOSR2):c.29+8C>T

Genes: GOSR2 (golgi SNAP receptor complex member 2; plus strand), LRRC37A2 (leucine rich repeat containing 37 member A2). Cytogenetic location: 17q21.32.
Variant type: single nucleotide variant.
Coding change: c.29+8C>T on transcript NM_004287.5 (MANE Select); 8 bases into the intron after coding-DNA position 29, C replaced by T.
Molecular consequence: intron variant. On other transcripts: 5 prime UTR variant (2).
Genome position (GRCh38, 1-based): chr17:46,923,229, C>T. VCF-style: chr17-46923229-C-T. GRCh37 (hg19) VCF-style: chr17-45000595-C-T.
Other names: c.29+8C>T (NM_004287.4, NM_001321133.2, NM_054022.4 and 5 more transcripts); c.-66C>T (NM_001321134.2); c.-429C>T (NM_001363851.2).
Identifiers: ClinVar variation 137489 (VCV000137489.22), dbSNP rs573306680, ClinGen allele CA291099.

ClinVar aggregate classification (germline): Conflicting classifications of pathogenicity. Review status: criteria provided, conflicting classifications (1 of 4 stars). 6 submissions from 6 submitters: Uncertain significance (3); Benign (1); Likely benign (2). Last evaluated 2026-01-26.

Conditions:
Progressive myoclonic epilepsy. Also called: Myoclonic Epilepsies, Progressive; Myoclonus epilepsy; Progressive myoclonus epilepsy; Familial progressive myoclonic epilepsy. Identifiers: Orphanet 308, Orphanet 98261, MedGen C0751778, MONDO:0020074.
Progressive myoclonic epilepsy type 6. Identifiers: Orphanet 280620, MedGen C5190805, MONDO:0013526, OMIM 614018.

Allele frequency attached by ClinVar (database versions not stated): 1000 Genomes Project 30x 0.00016; 1000 Genomes Project 0.00020; ExAC 0.00021; gnomAD exomes 0.00021 and 0.00024; TOPMed 0.00025; gnomAD 0.00028 and 0.00029.
gnomAD v4.1: 333 of 1,550,752 alleles (0.021%); highest among the groups gnomAD compares: Non-Finnish European, 0.025%; 1 homozygote.

Submissions (6):

Labcorp Genetics (formerly Invitae), Labcorp
Classification: Likely benign for Progressive myoclonic epilepsy. Last evaluated: 2026-01-26. Review status: criteria provided, single submitter. Criteria: Invitae Variant Classification Sherloc (09022015). Collection method: clinical testing. Allele origin: germline.

Blueprint Genetics
Classification: Likely benign. Last evaluated: 2024-11-14. Review status: criteria provided, single submitter. Criteria: ACMG Guidelines, 2015. Collection method: clinical testing. Allele origin: germline.

Revvity Omics, Revvity
Classification: Uncertain significance. Last evaluated: 2020-09-28. Review status: criteria provided, single submitter. Criteria: ACMG Guidelines, 2015. Collection method: clinical testing. Allele origin: germline.

Illumina Laboratory Services, Illumina
Classification: Uncertain significance for Progressive myoclonic epilepsy type 6. Last evaluated: 2018-01-12. Review status: criteria provided, single submitter. Criteria: ICSL Variant Classification Criteria 13 December 2019. Collection method: clinical testing. Allele origin: germline.

Eurofins Ntd Llc (ga)
Classification: Uncertain significance. Last evaluated: 2016-03-24. Review status: criteria provided, single submitter. Criteria: EGL Classification Definitions 2015. Collection method: clinical testing. Allele origin: germline. Observed: 1 variant allele, 1 heterozygote.

GeneDx
Classification: Benign. Last evaluated: 2014-02-06. Review status: criteria provided, single submitter. Criteria: GeneDx Variant Classification (06012015). Collection method: clinical testing. Allele origin: germline. Affected: yes.
Comment: This variant is considered likely benign or benign based on one or more of the following criteria: it is a conservative change, it occurs at a poorly conserved position in the protein, it is predicted to be benign by multiple in silico algorithms, and/or has population frequency not consistent with disease.